The following is an entry in ClinVar:

ClinVar aggregate classification (germline): Uncertain significance (1 of 4 stars; one submission).

Conditions:
Primary ciliary dyskinesia. Also called: Ciliary dyskinesia. Identifiers: Orphanet 244, MedGen C0008780, MONDO:0016575, HP:0012265.

Submission:

Labcorp Genetics (formerly Invitae), Labcorp
Classification: Uncertain significance for Primary ciliary dyskinesia. Last evaluated: 2023-10-20. Review status: criteria provided, single submitter. Criteria: Invitae Variant Classification Sherloc (09022015). Collection method: clinical testing. Allele origin: germline.
Comment: This variant, c.2725_2757dup, results in the insertion of 11 amino acid(s) of the RPGR (ORF15) protein (p.Glu909_Gly919dup), but otherwise preserves the integrity of the reading frame. This variant is not present in population databases (gnomAD no frequency). This variant has not been reported in the literature in individuals affected with RPGR (ORF15)-related conditions. In summary, the available evidence is currently insufficient to determine the role of this variant in disease. Therefore, it has been classified as a Variant of Uncertain Significance.

NM_001034853.2(RPGR):c.2725_2757dup (p.Gly919_Lys920insGluGlyGluGlyGluGluGluGluGlyGluGly)

Gene: RPGR (retinitis pigmentosa GTPase regulator; minus strand). Cytogenetic location: Xp11.4.
Variant type: Duplication.
Coding change: c.2725_2757dup on transcript NM_001034853.2 (MANE Select); coding-DNA positions 2725 to 2757, 33 bases duplicated.
Protein change: p.Gly919_Lys920insGluGlyGluGlyGluGluGluGluGlyGluGly.
Molecular consequence: inframe insertion. On other transcripts: intron variant (8).
Genome position (GRCh38, 1-based): chrX:38,286,242-38,286,274, 33 bases duplicated. GRCh37 (hg19): chrX:38,145,495-38,145,527.
Other names: c.1569+4685_1569+4717dup (NM_001367249.1, NM_001367250.1); c.1902+820_1902+852dup (NM_001367245.1); c.1386+4685_1386+4717dup (NM_001367251.1); c.1719+820_1719+852dup (NM_001367246.1); c.1572+4685_1572+4717dup (NM_001367247.1); c.1905+820_1905+852dup (NM_000328.3); c.1602+4685_1602+4717dup (NM_001367248.1).
Identifiers: ClinVar variation 2766986 (VCV002766986.3), dbSNP rs2519787317, ClinGen allele CA2697553047.
Genomic context (GRCh38, chrX:38,286,241, plus strand): 5'-CCCCTTCTCCTTCCTCCTCTTCCCCCTCCCCTTCTCCTTCCTCTCCTTCCTCCTCCCCTT[T>TCCCTTCTCCTTCCTCCTCTTCTCCCTCCCCTTC]CCCTTCTCCTTCCTCCTCTTCTCCCTCCCCTTCTCCTTCCTCTTCTCCCTCCCCTTCTCC-3'